The following is an entry in ClinVar:

ClinVar aggregate classification (germline): Uncertain significance (1 of 4 stars; one submission).

Conditions:
Hereditary cancer-predisposing syndrome. Also called: Neoplastic Syndromes, Hereditary; Tumor predisposition; Hereditary neoplastic syndrome; Hereditary Cancer Syndrome. Identifiers: Orphanet 140162, MedGen C0027672, MeSH D009386, MONDO:0015356.

Submission:

Ambry Genetics
Classification: Uncertain significance for Hereditary cancer-predisposing syndrome. Last evaluated: 2024-04-26. Review status: criteria provided, single submitter. Criteria: Ambry Variant Classification Scheme 2023. Collection method: clinical testing. Allele origin: germline.
Comment: The p.I496F variant (also known as c.1486A>T), located in coding exon 14 of the TSC2 gene, results from an A to T substitution at nucleotide position 1486. The isoleucine at codon 496 is replaced by phenylalanine, an amino acid with highly similar properties. This amino acid position is conserved. In addition, the in silico prediction for this alteration is inconclusive. Based on the available evidence, the clinical significance of this variant remains unclear.

NM_000548.5(TSC2):c.1486A>T (p.Ile496Phe)

Gene: TSC2 (TSC complex subunit 2; plus strand). Cytogenetic location: 16p13.3.
Variant type: single nucleotide variant.
Coding change: c.1486A>T on transcript NM_000548.5 (MANE Select); coding-DNA position 1486, A replaced by T.
Protein change: p.Ile496Phe; replaces isoleucine 496 with phenylalanine.
Molecular consequence: missense variant. On other transcripts: 5 prime UTR variant (1), non-coding transcript variant (5).
Genome position (GRCh38, 1-based): chr16:2,064,314, A>T. VCF-style: chr16-2064314-A-T. GRCh37 (hg19) VCF-style: chr16-2114315-A-T.
Other names: c.886A>T, p.Ile296Phe (NM_001406680.1, NM_001406682.1, NM_001318831.2 and 6 more transcripts); c.1024A>T, p.Ile342Phe (NM_001406681.1); c.142A>T, p.Ile48Phe (NM_001406693.1, NM_001406694.1, NM_001406695.1 and 6 more transcripts); c.-117A>T (NM_001406698.1); c.1486A>T, p.Ile496Phe (NM_021055.3, NM_001077183.3, NM_001114382.3 and 6 more transcripts); c.1474A>T, p.Ile492Phe (NM_001406673.1, NM_001406671.1); c.1339A>T, p.Ile447Phe (NM_001406675.1, NM_001406676.1, NM_001406679.1 and 1 more transcripts); c.1429A>T, p.Ile477Phe (NM_001406677.1); and 3 more; short protein forms I447F, I296F, I48F, I492F, I496F, I507F, I342F, I477F.
Identifiers: ClinVar variation 3329505 (VCV003329505.1).